The following is an entry in ClinVar:

NM_001079668.3(NKX2-1):c.867G>A (p.Ala289=)

Genes: NKX2-1 (NK2 homeobox 1; minus strand), SFTA3 (surfactant associated 3; minus strand). Cytogenetic location: 14q13.3.
Variant type: single nucleotide variant.
Coding change: c.867G>A on transcript NM_001079668.3 (MANE Select); coding-DNA position 867, G replaced by A.
Protein change: p.Ala289=; no amino-acid change (alanine 289 retained).
Molecular consequence: synonymous variant.
Genome position (GRCh38, 1-based): chr14:36,517,617, C>T on the plus strand (G>A on the coding strand, the complement: NKX2-1 is on the minus strand). VCF-style: chr14-36517617-C-T. GRCh37 (hg19) VCF-style: chr14-36986822-C-T.
Other names: c.777G>A, p.Ala259= (NM_003317.4); c.867G>A (NM_001079668.2).
Identifiers: ClinVar variation 1639505 (VCV001639505.10), dbSNP rs746780018, ClinGen allele CA7158437.

ClinVar aggregate classification (germline): Likely benign. Review status: criteria provided, single submitter (1 of 4 stars). 2 submissions from 2 submitters: Likely benign (1). 1 of the submissions does not count toward it. Last evaluated 2023-11-01.

Conditions:
NKX2-1-Related Disorders. Also called: NKX2-1-related disorder. Identifiers: MedGen CN381057.

Allele frequency attached by ClinVar (database versions not stated): gnomAD 0.00001; gnomAD exomes 0.00004; ExAC 0.00031.
gnomAD v4.1: 45 of 1,534,292 alleles (0.0029%); highest among the groups gnomAD compares: South Asian, 0.025%; no homozygotes.

Submissions (2):

Labcorp Genetics (formerly Invitae), Labcorp
Classification: Likely benign. Last evaluated: 2023-11-01. Review status: criteria provided, single submitter. Criteria: Invitae Variant Classification Sherloc (09022015). Collection method: clinical testing. Allele origin: germline.

PreventionGenetics, part of Exact Sciences
Classification: Likely benign for NKX2-1-related condition. Last evaluated: 2023-08-16. Review status: no assertion criteria provided. Collection method: clinical testing. Allele origin: germline. Not counted in ClinVar's aggregate classification.
Comment: This variant is classified as likely benign based on ACMG/AMP sequence variant interpretation guidelines (Richards et al. 2015 PMID: 25741868, with internal and published modifications).